The following is an entry in ClinVar:

NM_001165963.4(SCN1A):c.4557del (p.Gln1520fs)

Genes: SCN1A (sodium voltage-gated channel alpha subunit 1; minus strand), LOC102724058 (uncharacterized LOC102724058; plus strand). Cytogenetic location: 2q24.3.
Variant type: Deletion.
Coding change: c.4557del on transcript NM_001165963.4 (MANE Select); coding-DNA position 4557, one base deleted (G; older notation c.4557delG).
Protein change: p.Gln1520fs; shifts the reading frame from glutamine 1520.
Molecular consequence: frameshift variant. On other transcripts: non-coding transcript variant (1).
Genome position (GRCh38, 1-based): chr2:165,996,037, C deleted on the plus strand (G on the coding strand, the reverse complement: SCN1A is on the minus strand). VCF-style (leftmost placement, unchanged base first): chr2-165996036-GC-G. GRCh37 (hg19) VCF-style: chr2-166852546-GC-G.
Other names: c.4473del, p.Gln1492fs (NM_001165964.3, NM_001353957.2, NM_001353958.2); c.4557del, p.Gln1520fs (NM_001202435.3, NM_001353948.2); c.4524del, p.Gln1509fs (NM_001353949.2, NM_001353950.2, NM_001353951.2 and 2 more transcripts); c.4521del, p.Gln1508fs (NM_001353954.2, NM_001353955.2); c.4470del, p.Gln1491fs (NM_001353960.2); c.2115del, p.Gln706fs (NM_001353961.2); short protein forms Q1491fs, Q1508fs, Q1520fs, Q706fs, Q1492fs, Q1509fs.
Identifiers: ClinVar variation 2861054 (VCV002861054.3), dbSNP rs2468376391, ClinGen allele CA2586970274.

ClinVar aggregate classification (germline): Pathogenic (1 of 4 stars; one submission).

Conditions:
Early-infantile DEE. Also called: Ohtahara syndrome; Early infantile epileptic encephalopathy with suppression bursts; Early infantile epileptic encephalopathy. Identifiers: Orphanet 1934, MedGen C0393706, MONDO:0800491.

Submission:

Labcorp Genetics (formerly Invitae), Labcorp
Classification: Pathogenic for Early-infantile DEE. Last evaluated: 2023-05-30. Review status: criteria provided, single submitter. Criteria: Invitae Variant Classification Sherloc (09022015). Collection method: clinical testing. Allele origin: germline.
Comment: For these reasons, this variant has been classified as Pathogenic. This premature translational stop signal has been observed in individual(s) with Dravet syndrome (PMID: 19589774, 22848613). This variant is not present in population databases (gnomAD no frequency). This sequence change creates a premature translational stop signal (p.Gln1520Lysfs*19) in the SCN1A gene. It is expected to result in an absent or disrupted protein product. Loss-of-function variants in SCN1A are known to be pathogenic (PMID: 17347258, 18930999).

Literature cited by the submitters: PubMed 19589774; PubMed 22848613; PubMed 17347258; PubMed 18930999.